The following is an entry in ClinVar:

ClinVar aggregate classification (germline): Pathogenic (1 of 4 stars; one submission).

Conditions:
Developmental and epileptic encephalopathy, 2 (DEE2). Also called: INFANTILE SPASM SYNDROME, X-LINKED 2; CDKL5 deficiency disorder. Identifiers: Orphanet 1934, Orphanet 3451, Orphanet 505652, MedGen C4750718, MONDO:0010396, OMIM 300672.

Submission:

Medical Genetic Diagnosis and Therapy Center, Fujian Medical University
Classification: Pathogenic for Developmental and epileptic encephalopathy, 2. Last evaluated: 2025-04-22. Review status: criteria provided, single submitter. Criteria: ACMG Guidelines, 2015. Collection method: clinical testing. Allele origin: de novo. Inheritance: Autosomal dominant inheritance. Affected: yes. Observed: 1 heterozygote.
Comment: This variant is classified as pathogenic according to the ACMG guidelines (P: PVS1+PS2+PM2).

Literature cited by the submitters: PubMed 37250406.

NM_001323289.2(CDKL5):c.1994_1997del (p.Lys665fs)

Gene: CDKL5 (cyclin dependent kinase like 5; plus strand). Cytogenetic location: Xp22.13.
Variant type: Deletion.
Coding change: c.1994_1997del on transcript NM_001323289.2 (MANE Select); coding-DNA positions 1994 to 1997, 4 bases deleted (AAGA; older notation c.1994_1997delAAGA).
Protein change: p.Lys665fs; shifts the reading frame from lysine 665.
Molecular consequence: frameshift variant.
Genome position (GRCh38, 1-based): chrX:18,608,860-18,608,863, AAGA deleted; deleting any 4 consecutive bases within chrX:18,608,859-18,608,863 gives the same sequence; the c. name uses the placement nearest the transcript's 3' end. VCF-style (leftmost placement, unchanged base first): chrX-18608858-CAAAG-C. GRCh37 (hg19) VCF-style: chrX-18626978-CAAAG-C.
Other names: c.1994_1997del, p.Lys665fs (NM_001037343.2, NM_003159.3); short protein forms K665fs.
Identifiers: ClinVar variation 2497678 (VCV002497678.3), dbSNP rs2518880329, ClinGen allele CA2582342895.